The following is an entry in ClinVar:

NM_000066.4(C8B):c.934A>G (p.Met312Val)

Gene: C8B (complement C8 beta chain; minus strand). Cytogenetic location: 1p32.2.
Variant type: single nucleotide variant.
Coding change: c.934A>G on transcript NM_000066.4 (MANE Select); coding-DNA position 934, A replaced by G.
Protein change: p.Met312Val; replaces methionine 312 with valine.
Molecular consequence: missense variant.
Genome position (GRCh38, 1-based): chr1:56,945,992, T>C on the plus strand (A>G on the coding strand, the complement: C8B is on the minus strand). VCF-style: chr1-56945992-T-C. GRCh37 (hg19) VCF-style: chr1-57411665-T-C.
Other names: c.778A>G, p.Met260Val (NM_001278543.2); c.748A>G, p.Met250Val (NM_001278544.2); short protein forms M250V, M312V, M260V.
Identifiers: ClinVar variation 3698200 (VCV003698200.2).

ClinVar aggregate classification (germline): Uncertain significance (1 of 4 stars; one submission).

gnomAD v4.1: 10 of 1,614,170 alleles (0.00062%); highest among the groups gnomAD compares: East Asian, 0.02%; no homozygotes.

Submission:

Labcorp Genetics (formerly Invitae), Labcorp
Classification: Uncertain significance. Last evaluated: 2024-05-12. Review status: criteria provided, single submitter. Criteria: Invitae Variant Classification Sherloc (09022015). Collection method: clinical testing. Allele origin: germline.
Comment: This sequence change replaces methionine, which is neutral and non-polar, with valine, which is neutral and non-polar, at codon 312 of the C8B protein (p.Met312Val). This variant is not present in population databases (gnomAD no frequency). This variant has not been reported in the literature in individuals affected with C8B-related conditions. An algorithm developed to predict the effect of missense changes on protein structure and function (PolyPhen-2) suggests that this variant is likely to be tolerated. In summary, the available evidence is currently insufficient to determine the role of this variant in disease. Therefore, it has been classified as a Variant of Uncertain Significance.